The following is an entry in ClinVar:

ClinVar aggregate classification (germline): Uncertain significance (1 of 4 stars; one submission).

gnomAD v4.1: 16 of 1,614,230 alleles (0.00099%); highest among the groups gnomAD compares: Non-Finnish European, 0.0013%; no homozygotes.

Submission:

GeneDx
Classification: Uncertain significance. Last evaluated: 2026-04-09. Review status: criteria provided, single submitter. Criteria: GeneDx Variant Classification Process June 2021. Collection method: clinical testing. Allele origin: germline.
Comment: Not observed at significant frequency in large population cohorts (gnomAD); In silico analysis supports that this missense variant has a deleterious effect on protein structure/function; Has not been previously published as pathogenic or benign to our knowledge

NM_138395.4(MARS2):c.859C>G (p.Leu287Val)

Gene: MARS2 (methionyl-tRNA synthetase 2, mitochondrial; plus strand). Cytogenetic location: 2q33.1.
Variant type: single nucleotide variant.
Coding change: c.859C>G on transcript NM_138395.4 (MANE Select); coding-DNA position 859, C replaced by G.
Protein change: p.Leu287Val; replaces leucine 287 with valine.
Molecular consequence: missense variant.
Genome position (GRCh38, 1-based): chr2:197,706,264, C>G. VCF-style: chr2-197706264-C-G. GRCh37 (hg19) VCF-style: chr2-198570988-C-G.
Other names: short protein forms L287V.
Identifiers: ClinVar variation 5016711 (VCV005016711.1).